The following is an entry in ClinVar:

ClinVar aggregate classification (germline): Uncertain significance (1 of 4 stars; one submission).

Conditions:
Legius syndrome. Identifiers: Orphanet 137605, MedGen C1969623, MONDO:0012669, OMIM 611431. Disease mechanism: loss of function.

Submission:

Labcorp Genetics (formerly Invitae), Labcorp
Classification: Uncertain significance for Legius syndrome. Last evaluated: 2022-05-25. Review status: criteria provided, single submitter. Criteria: Invitae Variant Classification Sherloc (09022015). Collection method: clinical testing. Allele origin: germline.
Comment: In summary, the available evidence is currently insufficient to determine the role of this variant in disease. Therefore, it has been classified as a Variant of Uncertain Significance. Algorithms developed to predict the effect of missense changes on protein structure and function are either unavailable or do not agree on the potential impact of this missense change (SIFT: "Deleterious"; PolyPhen-2: "Benign"; Align-GVGD: "Class C0"). This variant has not been reported in the literature in individuals affected with SPRED1-related conditions. This variant is not present in population databases (gnomAD no frequency). This sequence change replaces lysine, which is basic and polar, with threonine, which is neutral and polar, at codon 301 of the SPRED1 protein (p.Lys301Thr).

NM_152594.3(SPRED1):c.902A>C (p.Lys301Thr)

Gene: SPRED1 (sprouty related EVH1 domain containing 1; plus strand). Cytogenetic location: 15q14.
Variant type: single nucleotide variant.
Coding change: c.902A>C on transcript NM_152594.3 (MANE Select); coding-DNA position 902, A replaced by C.
Protein change: p.Lys301Thr; replaces lysine 301 with threonine.
Molecular consequence: missense variant.
Genome position (GRCh38, 1-based): chr15:38,351,231, A>C. VCF-style: chr15-38351231-A-C. GRCh37 (hg19) VCF-style: chr15-38643432-A-C.
Other names: short protein forms K301T.
Identifiers: ClinVar variation 1998564 (VCV001998564.4), dbSNP rs2542742994, ClinGen allele CA391933508.
Genomic context (GRCh38, chr15:38,351,231, plus strand): 5'-AGTTTTCTAAACCAGACAGTAAAAAATCAGACTATCTGTACTCTTGTGGGGATGAGACTA[A>C]GTTAAGTTCACCCAAAGACTCTGTGGTATTTAAGACGCAGCCTTCCTCATTAAAAATTAA-3'
Protein context (NP_689807.1, residues 291-311): DYLYSCGDET[Lys301Thr]LSSPKDSVVF